The following is an entry in ClinVar:

NM_000057.4(BLM):c.2887C>T (p.His963Tyr)

Gene: BLM (BLM RecQ like helicase; plus strand). Cytogenetic location: 15q26.1.
Variant type: single nucleotide variant.
Coding change: c.2887C>T on transcript NM_000057.4 (MANE Select); coding-DNA position 2887, C replaced by T.
Protein change: p.His963Tyr; replaces histidine 963 with tyrosine.
Molecular consequence: missense variant.
Genome position (GRCh38, 1-based): chr15:90,790,712, C>T. VCF-style: chr15-90790712-C-T. GRCh37 (hg19) VCF-style: chr15-91333942-C-T.
Other names: c.2887C>T (LRG_20t1); c.2887C>T, p.His963Tyr (NM_001287246.2, NM_001287247.2); c.1762C>T, p.His588Tyr (NM_001287248.2); short protein forms H963Y, H588Y.
Identifiers: ClinVar variation 1330099 (VCV001330099.7), dbSNP rs367543023, ClinGen allele CA344516.
Genomic context (GRCh38, chr15:90,790,712, plus strand): 5'-ATCTGTGCTACAATTGCATTTGGAATGGGGATTGACAAACCGGACGTGCGATTTGTGATT[C>T]ATGCATCTCTCCCTAAATCTGTGGAGGGTTACTACCAAGAATCTGGCAGAGCTGGAAGAG-3'
Protein context (NP_000048.1, residues 953-973): IDKPDVRFVI[His963Tyr]ASLPKSVEGY

ClinVar aggregate classification (germline): Uncertain significance. Review status: criteria provided, multiple submitters, no conflicts (2 of 4 stars). 2 submissions from 2 submitters: Uncertain significance (2). Last evaluated 2024-10-23.

Conditions:
Bloom syndrome (BLM). Also called: Bloom-Torre-Machacek syndrome. Identifiers: Orphanet 125, MedGen C0005859, MONDO:0008876, OMIM 210900.

Allele frequency attached by ClinVar (database versions not stated): gnomAD exomes below 0.00001.
gnomAD v4.1: 1 of 1,614,172 alleles (0.000062%); highest among the groups gnomAD compares: East Asian, 0.0022%; no homozygotes.

Submissions (2):

Labcorp Genetics (formerly Invitae), Labcorp
Classification: Uncertain significance for Bloom syndrome. Last evaluated: 2024-10-23. Review status: criteria provided, single submitter. Criteria: Invitae Variant Classification Sherloc (09022015). Collection method: clinical testing. Allele origin: germline.
Comment: This sequence change replaces histidine, which is basic and polar, with tyrosine, which is neutral and polar, at codon 963 of the BLM protein (p.His963Tyr). This variant is not present in population databases (gnomAD no frequency). This missense change has been observed in individual(s) with clinical features of Bloom syndrome (PMID: 17407155). ClinVar contains an entry for this variant (Variation ID: 1330099). Invitae Evidence Modeling of protein sequence and biophysical properties (such as structural, functional, and spatial information, amino acid conservation, physicochemical variation, residue mobility, and thermodynamic stability) indicates that this missense variant is expected to disrupt BLM protein function with a positive predictive value of 80%. In summary, the available evidence is currently insufficient to determine the role of this variant in disease. Therefore, it has been classified as a Variant of Uncertain Significance.

Quest Diagnostics Nichols Institute San Juan Capistrano
Classification: Uncertain significance. Last evaluated: 2021-04-02. Review status: criteria provided, single submitter. Criteria: Quest Diagnostics criteria. Collection method: clinical testing. Allele origin: unknown.

Literature cited by the submitters: PubMed 17407155 (cited by Labcorp Genetics (formerly Invitae), Labcorp and Quest Diagnostics Nichols Institute San Juan Capistrano); PubMed 24816114 (cited by Quest Diagnostics Nichols Institute San Juan Capistrano).